The following is an entry in ClinVar:

ClinVar aggregate classification (germline): Likely benign (1 of 4 stars; one submission).

gnomAD v4.1: 2 of 1,551,770 alleles (0.00013%); highest among the groups gnomAD compares: Non-Finnish European, 0.00017%; no homozygotes.

Submission:

CeGaT Center for Human Genetics Tuebingen
Classification: Likely benign. Last evaluated: 2026-02-01. Review status: criteria provided, single submitter. Criteria: CeGaT Center For Human Genetics Tuebingen Variant Classification Criteria Version 2. Collection method: clinical testing. Allele origin: germline. Affected: yes. Observed: 1 variant allele.
Comment: FAM149B1: BP4, BP7

NM_173348.2(FAM149B1):c.1218A>G (p.Thr406=)

Genes: DNAJC9 (DnaJ heat shock protein family (Hsp40) member C9; minus strand), FAM149B1 (family with sequence similarity 149 member B1; plus strand). Cytogenetic location: 10q22.2.
Variant type: single nucleotide variant.
Coding change: c.1218A>G on transcript NM_173348.2 (MANE Select); coding-DNA position 1218, A replaced by G.
Protein change: p.Thr406=; no amino-acid change (threonine 406 retained).
Molecular consequence: synonymous variant.
Genome position (GRCh38, 1-based): chr10:73,233,029, A>G. VCF-style: chr10-73233029-A-G. GRCh37 (hg19) VCF-style: chr10-74992787-A-G.
Identifiers: ClinVar variation 4822632 (VCV004822632.4).